The following is an entry in ClinVar:

ClinVar aggregate classification (germline): Pathogenic. Review status: criteria provided, multiple submitters, no conflicts (2 of 4 stars). 4 submissions from 4 submitters: Pathogenic (3). 1 of the submissions does not count toward it. Last evaluated 2025-10-07.

Conditions:
Achromatopsia. Also called: Rod monochromatism. Identifiers: Orphanet 49382, MedGen C0152200, MONDO:0018852, HP:0011516.
Achromatopsia 3 (ACHM3). Also called: ACHROMATOPSIA WITH MYOPIA; PINGELAPESE BLINDNESS; TOTAL COLORBLINDNESS WITH MYOPIA; ROD MONOCHROMACY 1; ROD MONOCHROMATISM 1. Identifiers: Orphanet 49382, MedGen C1849792, MONDO:0009875, OMIM 262300.

Allele frequency attached by ClinVar (database versions not stated): gnomAD exomes below 0.00001; gnomAD 0.00001.
gnomAD v4.1: 5 of 1,611,016 alleles (0.00031%); highest among the groups gnomAD compares: Admixed American, 0.005%; no homozygotes.

Submissions (4):

Natera, Inc.
Classification: Pathogenic for Achromatopsia. Last evaluated: 2025-10-07. Review status: criteria provided, single submitter. Criteria: Natera Variant Classification Schema (03/2026). Collection method: clinical testing. Allele origin: germline.
Comment: The c.852+1G>C variant in CNGB3 is a canonical splice donor site variant predicted to affect pre-mRNA splicing, which may result in an abnormal transcript and altered protein product. This variant is expected to result in nonsense mediated decay, truncation, or a dysfunctional protein product. This variant is rare in the general population with a frequency below the threshold expected for the associated phenotype(s). This variant has been observed in one or more individuals affected with the associated recessive disease, as either homozygous or compound heterozygous with a second variant (PMID: 28795510). Given the available evidence, this variant is classified as Pathogenic.

Dasa
Classification: Pathogenic. Last evaluated: 2025-03-18. Review status: criteria provided, single submitter. Criteria: DASA Assertion Criteria. Collection method: clinical testing. Allele origin: germline.
Comment: NM_019098.5(CNGB3):c.852+1G>C introduces a premature termination codon predicted to result in loss of normal protein function. Loss-of-function is an established mechanism of disease for this gene. This variant has been observed in affected individuals with related phenotype in a genotype context consistent with recessive disease (PMID: 28795510; PMID: 30337596). This variant has been recurrently observed in individuals with related phenotype (PMID: 28795510; PMID: 30337596). The variant is present at low frequency in population datasets. Based on the available data, this variant is classified as pathogenic.

Labcorp Genetics (formerly Invitae), Labcorp
Classification: Pathogenic. Last evaluated: 2024-01-08. Review status: criteria provided, single submitter. Criteria: Invitae Variant Classification Sherloc (09022015). Collection method: clinical testing. Allele origin: germline.
Comment: This sequence change affects a donor splice site in intron 6 of the CNGB3 gene. It is expected to disrupt RNA splicing. Variants that disrupt the donor or acceptor splice site typically lead to a loss of protein function (PMID: 16199547), and loss-of-function variants in CNGB3 are known to be pathogenic (PMID: 28795510). This variant is present in population databases (no rsID available, gnomAD 0.007%). Disruption of this splice site has been observed in individual(s) with achromatopsia (PMID: 28795510, 30337596). In at least one individual the data is consistent with being in trans (on the opposite chromosome) from a pathogenic variant. ClinVar contains an entry for this variant (Variation ID: 427699). Algorithms developed to predict the effect of sequence changes on RNA splicing suggest that this variant may disrupt the consensus splice site. For these reasons, this variant has been classified as Pathogenic.

Molecular Genetics Laboratory, Institute for Ophthalmic Research
Classification: Pathogenic for ACHM3. Last evaluated: 2017-03-27. Review status: no assertion criteria provided. Collection method: research. Allele origin: germline. Affected: yes. Not counted in ClinVar's aggregate classification.

Literature cited by the submitters: PubMed 28795510 (cited by 4 submitters); PubMed 30337596 (cited by Dasa and Labcorp Genetics (formerly Invitae), Labcorp); PubMed 16199547 (cited by Labcorp Genetics (formerly Invitae), Labcorp).

NM_019098.5(CNGB3):c.852+1G>C

Gene: CNGB3 (cyclic nucleotide gated channel subunit beta 3; minus strand). Cytogenetic location: 8q21.3.
Variant type: single nucleotide variant.
Coding change: c.852+1G>C on transcript NM_019098.5 (MANE Select); the canonical splice donor site of the intron after coding-DNA position 852, G replaced by C.
Molecular consequence: splice donor variant.
Genome position (GRCh38, 1-based): chr8:86,666,924, C>G on the plus strand (G>C on the coding strand, the complement: CNGB3 is on the minus strand). VCF-style: chr8-86666924-C-G. GRCh37 (hg19) VCF-style: chr8-87679152-C-G.
Identifiers: ClinVar variation 427699 (VCV000427699.11), dbSNP rs1201521544, ClinGen allele CA371449237.